The following is an entry in ClinVar:

NM_001128840.3(CACNA1D):c.3161A>C (p.Glu1054Ala)

Gene: CACNA1D (calcium voltage-gated channel subunit alpha1 D; plus strand). Cytogenetic location: 3p21.1.
Variant type: single nucleotide variant.
Coding change: c.3161A>C on transcript NM_001128840.3 (MANE Select); coding-DNA position 3161, A replaced by C.
Protein change: p.Glu1054Ala; replaces glutamic acid 1054 with alanine.
Molecular consequence: missense variant.
Genome position (GRCh38, 1-based): chr3:53,745,869, A>C. VCF-style: chr3-53745869-A-C. GRCh37 (hg19) VCF-style: chr3-53779896-A-C.
Other names: c.3221A>C, p.Glu1074Ala (NM_000720.4); c.3161A>C, p.Glu1054Ala (NM_001128839.3); short protein forms E1054A, E1074A.
Identifiers: ClinVar variation 4282498 (VCV004282498.1).

ClinVar aggregate classification (germline): Uncertain significance (1 of 4 stars; one submission).

Submission:

GeneDx
Classification: Uncertain significance. Last evaluated: 2025-04-10. Review status: criteria provided, single submitter. Criteria: GeneDx Variant Classification Process June 2021. Collection method: clinical testing. Allele origin: germline. Affected: yes.
Comment: Not observed at significant frequency in large population cohorts (gnomAD); In silico analysis supports that this missense variant has a deleterious effect on protein structure/function; Has not been previously published as pathogenic or benign to our knowledge